The following is an entry in ClinVar:

ClinVar aggregate classification (germline): Uncertain significance. Review status: criteria provided, multiple submitters, no conflicts (2 of 4 stars). 2 submissions from 2 submitters: Uncertain significance (2). Last evaluated 2025-09-03.

Conditions:
Intellectual developmental disorder, autosomal dominant 1. Also called: MBD5 Haploinsufficiency; Intellectual disability, autosomal dominant 1. Identifiers: Orphanet 228402, MedGen C1969562, MONDO:0007974, OMIM 156200.

Submissions (2):

Women's Health and Genetics/Laboratory Corporation of America, LabCorp
Classification: Uncertain significance. Last evaluated: 2025-09-03. Review status: criteria provided, single submitter. Criteria: LabCorp Variant Classification Summary - May 2015. Collection method: clinical testing. Allele origin: germline.
Comment: Variant summary: MBD5 c.3594C>G (p.Asp1198Glu) results in a conservative amino acid change in the encoded protein sequence. Algorithms developed to predict the effect of missense changes on protein structure and function all suggest that this variant is likely to be tolerated. The variant was absent in 251202 control chromosomes. The available data on variant occurrences in the general population are insufficient to allow any conclusion about variant significance. To our knowledge, no occurrence of c.3594C>G in individuals affected with MBD5-related conditions and no experimental evidence demonstrating its impact on protein function have been reported. ClinVar contains an entry for this variant (Variation ID: 2988813). Based on the evidence outlined above, the variant was classified as uncertain significance.

Labcorp Genetics (formerly Invitae), Labcorp
Classification: Uncertain significance for Intellectual developmental disorder, autosomal dominant 1. Last evaluated: 2024-10-24. Review status: criteria provided, single submitter. Criteria: Invitae Variant Classification Sherloc (09022015). Collection method: clinical testing. Allele origin: germline.
Comment: This sequence change replaces aspartic acid, which is acidic and polar, with glutamic acid, which is acidic and polar, at codon 1198 of the MBD5 protein (p.Asp1198Glu). This variant is not present in population databases (gnomAD no frequency). This variant has not been reported in the literature in individuals affected with MBD5-related conditions. An algorithm developed to predict the effect of missense changes on protein structure and function outputs the following: PolyPhen-2: "Not Available". The glutamic acid amino acid residue is found in multiple mammalian species, which suggests that this missense change does not adversely affect protein function. In summary, the available evidence is currently insufficient to determine the role of this variant in disease. Therefore, it has been classified as a Variant of Uncertain Significance.

NM_001378120.1(MBD5):c.4293C>G (p.Asp1431Glu)

Gene: MBD5 (methyl-CpG binding domain protein 5; plus strand). Cytogenetic location: 2q23.1.
Variant type: single nucleotide variant.
Coding change: c.4293C>G on transcript NM_001378120.1 (MANE Select); coding-DNA position 4293, C replaced by G.
Protein change: p.Asp1431Glu; replaces aspartic acid 1431 with glutamic acid.
Molecular consequence: missense variant.
Genome position (GRCh38, 1-based): chr2:148,489,925, C>G. VCF-style: chr2-148489925-C-G. GRCh37 (hg19) VCF-style: chr2-149247494-C-G.
Other names: c.3594C>G, p.Asp1198Glu (NM_018328.5); short protein forms D1431E, D1198E.
Identifiers: ClinVar variation 2988813 (VCV002988813.4), dbSNP rs1417120365, ClinGen allele CA348728577.